The following is an entry in ClinVar:

ClinVar aggregate classification (germline): Uncertain significance (1 of 4 stars; one submission).

Submission:

GeneDx
Classification: Uncertain significance. Last evaluated: 2024-11-25. Review status: criteria provided, single submitter. Criteria: GeneDx Variant Classification Process June 2021. Collection method: clinical testing. Allele origin: germline. Affected: yes.
Comment: Not observed at significant frequency in large population cohorts (gnomAD); In silico analysis indicates that this missense variant does not alter protein structure/function; Has not been previously published as pathogenic or benign to our knowledge

NM_001606.5(ABCA2):c.4607C>A (p.Pro1536Gln)

Gene: ABCA2 (ATP binding cassette subfamily A member 2; minus strand). Cytogenetic location: 9q34.3.
Variant type: single nucleotide variant.
Coding change: c.4607C>A on transcript NM_001606.5 (MANE Select); coding-DNA position 4607, C replaced by A.
Protein change: p.Pro1536Gln; replaces proline 1536 with glutamine.
Molecular consequence: missense variant.
Genome position (GRCh38, 1-based): chr9:137,013,262, G>T on the plus strand (C>A on the coding strand, the complement: ABCA2 is on the minus strand). VCF-style: chr9-137013262-G-T. GRCh37 (hg19) VCF-style: chr9-139907714-G-T.
Other names: c.4604C>A, p.Pro1535Gln (NM_001411042.1); c.4697C>A, p.Pro1566Gln (NM_212533.3); short protein forms P1535Q, P1536Q, P1566Q.
Identifiers: ClinVar variation 3900443 (VCV003900443.1).